The following is an entry in ClinVar:

ClinVar aggregate classification (germline): Benign/Likely benign. Review status: criteria provided, multiple submitters, no conflicts (2 of 4 stars). 7 submissions from 7 submitters: Benign (5); Likely benign (1). 1 of the submissions does not count toward it. Last evaluated 2026-09-01.

Conditions:
ABCC2-related disorder. Also called: ABCC2-related condition.
Dubin-Johnson syndrome (DJS). Also called: Jaundice, Chronic Idiopathic; HYPERBILIRUBINEMIA, DUBIN-JOHNSON TYPE; Hyperbilirubinemia type 2. Identifiers: Orphanet 234, MedGen C0022350, MONDO:0009380, OMIM 237500.

Allele frequency attached by ClinVar (database versions not stated): 1000 Genomes Project 0.00319; 1000 Genomes Project 30x 0.00375; TOPMed 0.00880; ESP Exome Variant Server 0.01107; gnomAD 0.01182.
gnomAD v4.1: 18,420 of 1,613,976 alleles (1.1%); highest among the groups gnomAD compares: Non-Finnish European, 1.3%; 151 homozygotes.

Submissions (7):

CeGaT Center for Human Genetics Tuebingen
Classification: Benign. Last evaluated: 2026-09-01. Review status: criteria provided, single submitter. Criteria: CeGaT Center For Human Genetics Tuebingen Variant Classification Criteria Version 2. Collection method: clinical testing. Allele origin: germline. Affected: yes. Observed: 5 variant alleles.
Comment: ABCC2: BP4, BS1, BS2

Labcorp Genetics (formerly Invitae), Labcorp
Classification: Benign. Last evaluated: 2026-02-01. Review status: criteria provided, single submitter. Criteria: Invitae Variant Classification Sherloc (09022015). Collection method: clinical testing. Allele origin: germline.

Mayo Clinic Laboratories, Mayo Clinic
Classification: Benign. Last evaluated: 2022-01-28. Review status: criteria provided, single submitter. Criteria: ACMG Guidelines, 2015. Collection method: clinical testing. Allele origin: germline. Observed: 11 variant alleles.
Comment: BA1, BP4, BP7

Fulgent Genetics
Classification: Likely benign for Dubin-Johnson syndrome. Last evaluated: 2021-11-02. Review status: criteria provided, single submitter. Criteria: ACMG Guidelines, 2015. Collection method: clinical testing. Allele origin: unknown.

Illumina Laboratory Services, Illumina
Classification: Benign for Dubin-Johnson syndrome. Last evaluated: 2018-01-13. Review status: criteria provided, single submitter. Criteria: ICSL Variant Classification Criteria 13 December 2019. Collection method: clinical testing. Allele origin: germline.
Comment: This variant was observed in the ICSL laboratory as part of a predisposition screen in an ostensibly healthy population. It had not been previously curated by ICSL or reported in the Human Gene Mutation Database (HGMD: prior to June 1st, 2018), and was therefore a candidate for classification through an automated scoring system. Utilizing variant allele frequency, disease prevalence and penetrance estimates, and inheritance mode, an automated score was calculated to assess if this variant is too frequent to cause the disease. Based on the score and internal cut-off values, a variant classified as benign is not then subjected to further curation. The score for this variant resulted in a classification of benign for this disease.

Breakthrough Genomics
Classification: Benign. Review status: criteria provided, single submitter. Criteria: ACMG Guidelines, 2015. Collection method: not provided. Allele origin: germline. Inheritance: Autosomal recessive inheritance. Affected: yes.

PreventionGenetics, part of Exact Sciences
Classification: Benign for ABCC2-related condition. Last evaluated: 2024-03-27. Review status: no assertion criteria provided. Collection method: clinical testing. Allele origin: germline. Not counted in ClinVar's aggregate classification.
Comment: This variant is classified as benign based on ACMG/AMP sequence variant interpretation guidelines (Richards et al. 2015 PMID: 25741868, with internal and published modifications).

NM_000392.5(ABCC2):c.1446C>G (p.Thr482=)

Gene: ABCC2 (ATP binding cassette subfamily C member 2; plus strand). Cytogenetic location: 10q24.2.
Variant type: single nucleotide variant.
Coding change: c.1446C>G on transcript NM_000392.5 (MANE Select); coding-DNA position 1446, C replaced by G.
Protein change: p.Thr482=; no amino-acid change (threonine 482 retained).
Molecular consequence: synonymous variant.
Genome position (GRCh38, 1-based): chr10:99,804,255, C>G. VCF-style: chr10-99804255-C-G. GRCh37 (hg19) VCF-style: chr10-101564012-C-G.
Other names: p.Thr482=; c.1446C>G (NM_000392.4); c.1446C>G, p.Thr482= (LRG_1208t1).
Identifiers: ClinVar variation 255993 (VCV000255993.39), dbSNP rs113646094, ClinGen allele CA5643174.